The following is an entry in ClinVar:

NM_000388.4(CASR):c.1096G>A (p.Gly366Arg)

Gene: CASR (calcium sensing receptor; plus strand). Cytogenetic location: 3q21.1.
Variant type: single nucleotide variant.
Coding change: c.1096G>A on transcript NM_000388.4 (MANE Select); coding-DNA position 1096, G replaced by A.
Protein change: p.Gly366Arg; replaces glycine 366 with arginine.
Molecular consequence: missense variant.
Genome position (GRCh38, 1-based): chr3:122,262,131, G>A. VCF-style: chr3-122262131-G-A. GRCh37 (hg19) VCF-style: chr3-121980978-G-A.
Other names: c.1096G>A, p.Gly366Arg (NM_001178065.2); short protein forms G366R.
Identifiers: ClinVar variation 956341 (VCV000956341.10), dbSNP rs2074633882, ClinGen allele CA354152583.

ClinVar aggregate classification (germline): Uncertain significance (1 of 4 stars; one submission).

Conditions:
Autosomal dominant hypocalcemia 1 (HYPOC1). Also called: HYPOCALCEMIA, FAMILIAL. Identifiers: MedGen C3715128, MONDO:0011013, OMIM 601198.
Familial hypocalciuric hypercalcemia (FHH). Also called: Familial benign hypercalcemia. Identifiers: Orphanet 405, MedGen C1809471, MONDO:0018458.

Submission:

Labcorp Genetics (formerly Invitae), Labcorp
Classification: Uncertain significance for Familial hypocalciuric hypercalcemia; Autosomal dominant hypocalcemia 1. Last evaluated: 2021-01-22. Review status: criteria provided, single submitter. Criteria: Invitae Variant Classification Sherloc (09022015). Collection method: clinical testing. Allele origin: germline.
Comment: This sequence change replaces glycine with arginine at codon 366 of the CASR protein (p.Gly366Arg). The glycine residue is moderately conserved and there is a moderate physicochemical difference between glycine and arginine. This variant is not present in population databases (ExAC no frequency). This variant has not been reported in the literature in individuals with CASR-related conditions. Algorithms developed to predict the effect of missense changes on protein structure and function are either unavailable or do not agree on the potential impact of this missense change (SIFT: "Deleterious"; PolyPhen-2: "Benign"; Align-GVGD: "Class C0"). In summary, the available evidence is currently insufficient to determine the role of this variant in disease. Therefore, it has been classified as a Variant of Uncertain Significance.